The following is an entry in ClinVar:

NM_002661.5(PLCG2):c.3750C>G (p.Asn1250Lys)

Gene: PLCG2 (phospholipase C gamma 2; plus strand). Cytogenetic location: 16q23.3.
Variant type: single nucleotide variant.
Coding change: c.3750C>G on transcript NM_002661.5 (MANE Select); coding-DNA position 3750, C replaced by G.
Protein change: p.Asn1250Lys; replaces asparagine 1250 with lysine.
Molecular consequence: missense variant.
Genome position (GRCh38, 1-based): chr16:81,956,874, C>G. VCF-style: chr16-81956874-C-G. GRCh37 (hg19) VCF-style: chr16-81990479-C-G.
Other names: short protein forms N1250K.
Identifiers: ClinVar variation 1021222 (VCV001021222.10), dbSNP rs1911592073, ClinGen allele CA396898691.
Genomic context (GRCh38, chr16:81,956,874, plus strand): 5'-CCTGGTTAAAGAGTTCAGTGTTAATGAGAACCAGCTCCAGCTGTACCAGGAGAAATGCAA[C>G]AAGAGGTAGGTCAGCCCCTCCACCTGCAAAAACTTTTGGGGGGTCTCTAGGCACGGTGAT-3'
Protein context (NP_002652.2, residues 1240-1260): NQLQLYQEKC[Asn1250Lys]KRLREKRVSN

ClinVar aggregate classification (germline): Uncertain significance. Review status: criteria provided, multiple submitters, no conflicts (2 of 4 stars). 2 submissions from 2 submitters: Uncertain significance (2). Last evaluated 2022-04-07.

Conditions:
Familial cold autoinflammatory syndrome 3 (FCAS3). Also called: FAMILIAL ATYPICAL COLD URTICARIA; ANTIBODY DEFICIENCY AND IMMUNE DYSREGULATION, PLCG2-ASSOCIATED. Identifiers: Orphanet 300359, MedGen C3280914, MONDO:0013766, OMIM 614468.
Autoinflammation-PLCG2-associated antibody deficiency-immune dysregulation. Also called: AUTOINFLAMMATION, ANTIBODY DEFICIENCY, AND IMMUNE DYSREGULATION; Autoinflammation, antibody deficiency, and immune dysregulation syndrome; Autoinflammation, antibody deficiency, and immune dysregulation, plcg2-associated. Identifiers: Orphanet 324530, MedGen C3553961, MONDO:0013944, OMIM 614878.

Allele frequency attached by ClinVar (database versions not stated): gnomAD 0.00001.
gnomAD v4.1: 7 of 1,612,924 alleles (0.00043%); highest among the groups gnomAD compares: Non-Finnish European, 0.00059%; no homozygotes.

Submissions (2):

Labcorp Genetics (formerly Invitae), Labcorp
Classification: Uncertain significance for Familial cold autoinflammatory syndrome 3. Last evaluated: 2022-04-07. Review status: criteria provided, single submitter. Criteria: Invitae Variant Classification Sherloc (09022015). Collection method: clinical testing. Allele origin: germline.
Comment: This variant is not present in population databases (gnomAD no frequency). This sequence change replaces asparagine, which is neutral and polar, with lysine, which is basic and polar, at codon 1250 of the PLCG2 protein (p.Asn1250Lys). This variant has not been reported in the literature in individuals affected with PLCG2-related conditions. ClinVar contains an entry for this variant (Variation ID: 1021222). Algorithms developed to predict the effect of missense changes on protein structure and function (SIFT, PolyPhen-2, Align-GVGD) all suggest that this variant is likely to be tolerated. In summary, the available evidence is currently insufficient to determine the role of this variant in disease. Therefore, it has been classified as a Variant of Uncertain Significance.

Fulgent Genetics
Classification: Uncertain significance for Familial cold autoinflammatory syndrome 3; Autoinflammation-PLCG2-associated antibody deficiency-immune dysregulation. Last evaluated: 2022-03-11. Review status: criteria provided, single submitter. Criteria: ACMG Guidelines, 2015. Collection method: clinical testing. Allele origin: unknown.